The following is an entry in ClinVar:

ClinVar aggregate classification (germline): Uncertain significance (1 of 4 stars; one submission).

Conditions:
Glycine encephalopathy. Also called: Nonketotic hyperglycinemia; Non-ketotic hyperglycinemia. Identifiers: Orphanet 407, MedGen C0751748, MONDO:0011612, HP:0008288.

Allele frequency attached by ClinVar (database versions not stated): gnomAD exomes below 0.00001; TOPMed below 0.00001; gnomAD 0.00001.
gnomAD v4.1: 3 of 1,613,242 alleles (0.00019%); highest among the groups gnomAD compares: East Asian, 0.0022%; no homozygotes.

Submission:

Labcorp Genetics (formerly Invitae), Labcorp
Classification: Uncertain significance for Glycine encephalopathy. Last evaluated: 2024-01-25. Review status: criteria provided, single submitter. Criteria: Invitae Variant Classification Sherloc (09022015). Collection method: clinical testing. Allele origin: germline.
Comment: This sequence change replaces histidine, which is basic and polar, with arginine, which is basic and polar, at codon 399 of the GLDC protein (p.His399Arg). The frequency data for this variant in the population databases is considered unreliable, as metrics indicate poor data quality at this position in the gnomAD database. This variant has not been reported in the literature in individuals affected with GLDC-related conditions. ClinVar contains an entry for this variant (Variation ID: 1994030). Advanced modeling of protein sequence and biophysical properties (such as structural, functional, and spatial information, amino acid conservation, physicochemical variation, residue mobility, and thermodynamic stability) has been performed at Invitae for this missense variant, however the output from this modeling did not meet the statistical confidence thresholds required to predict the impact of this variant on GLDC protein function. In summary, the available evidence is currently insufficient to determine the role of this variant in disease. Therefore, it has been classified as a Variant of Uncertain Significance.

NM_000170.3(GLDC):c.1196A>G (p.His399Arg)

Gene: GLDC (glycine decarboxylase; minus strand). Cytogenetic location: 9p24.1.
Variant type: single nucleotide variant.
Coding change: c.1196A>G on transcript NM_000170.3 (MANE Select); coding-DNA position 1196, A replaced by G.
Protein change: p.His399Arg; replaces histidine 399 with arginine.
Molecular consequence: missense variant.
Genome position (GRCh38, 1-based): chr9:6,595,079, T>C on the plus strand (A>G on the coding strand, the complement: GLDC is on the minus strand). VCF-style: chr9-6595079-T-C. GRCh37 (hg19) VCF-style: chr9-6595079-T-C.
Other names: short protein forms H399R.
Identifiers: ClinVar variation 1994030 (VCV001994030.4), dbSNP rs1297392549, ClinGen allele CA372894330.
Genomic context (GRCh38, chr9:6,595,079, plus strand): 5'-GACAAAATCAAAGTGGCATTATGTACCCTCCTAGCAATATGCTCCAGCCCATGGGAACCA[T>C]GGTAGATTGCAAACATGGCAGCCATATTCGCCAAGAGGGCCTAAAAGATAAGAACATTTA-3'
Protein context (NP_000161.2, residues 389-409): ANMAAMFAIY[His399Arg]GSHGLEHIAR